The following is an entry in ClinVar:

ClinVar aggregate classification (germline): Likely benign (1 of 4 stars; one submission).

gnomAD v4.1: 122 of 1,598,560 alleles (0.0076%); highest among the groups gnomAD compares: Admixed American, 0.21%; 2 homozygotes.

Submission:

CeGaT Center for Human Genetics Tuebingen
Classification: Likely benign. Last evaluated: 2026-07-01. Review status: criteria provided, single submitter. Criteria: CeGaT Center For Human Genetics Tuebingen Variant Classification Criteria Version 2. Collection method: clinical testing. Allele origin: germline. Affected: yes. Observed: 1 variant allele.
Comment: VWA3B: BP4, BP7

NM_144992.5(VWA3B):c.3723C>T (p.His1241=)

Gene: VWA3B (von Willebrand factor A domain containing 3B; plus strand). Cytogenetic location: 2q11.2.
Variant type: single nucleotide variant.
Coding change: c.3723C>T on transcript NM_144992.5 (MANE Select); coding-DNA position 3723, C replaced by T.
Protein change: p.His1241=; no amino-acid change (histidine 1241 retained).
Molecular consequence: synonymous variant. On other transcripts: non-coding transcript variant (1).
Genome position (GRCh38, 1-based): chr2:98,312,020, C>T. VCF-style: chr2-98312020-C-T. GRCh37 (hg19) VCF-style: chr2-98928483-C-T.
Other names: c.2694C>T, p.His898= (NM_001345864.2).
Identifiers: ClinVar variation 5039784 (VCV005039784.1).